The following is an entry in ClinVar:

ClinVar aggregate classification (germline): Uncertain significance (1 of 4 stars; one submission).

Submission:

Labcorp Genetics (formerly Invitae), Labcorp
Classification: Uncertain significance. Last evaluated: 2023-06-10. Review status: criteria provided, single submitter. Criteria: Invitae Variant Classification Sherloc (09022015). Collection method: clinical testing. Allele origin: germline.
Comment: This sequence change replaces leucine, which is neutral and non-polar, with isoleucine, which is neutral and non-polar, at codon 51 of the FOXP1 protein (p.Leu51Ile). This variant is not present in population databases (gnomAD no frequency). In summary, the available evidence is currently insufficient to determine the role of this variant in disease. Therefore, it has been classified as a Variant of Uncertain Significance. Advanced modeling of protein sequence and biophysical properties (such as structural, functional, and spatial information, amino acid conservation, physicochemical variation, residue mobility, and thermodynamic stability) performed at Invitae indicates that this missense variant is not expected to disrupt FOXP1 protein function. This variant has not been reported in the literature in individuals affected with FOXP1-related conditions.

NM_001349338.3(FOXP1):c.151C>A (p.Leu51Ile)

Gene: FOXP1 (forkhead box P1; minus strand). Cytogenetic location: 3p13.
Variant type: single nucleotide variant.
Coding change: c.151C>A on transcript NM_001349338.3 (MANE Select); coding-DNA position 151, C replaced by A.
Protein change: p.Leu51Ile; replaces leucine 51 with isoleucine.
Molecular consequence: missense variant. On other transcripts: non-coding transcript variant (2).
Genome position (GRCh38, 1-based): chr3:71,198,231, G>T on the plus strand (C>A on the coding strand, the complement: FOXP1 is on the minus strand). VCF-style: chr3-71198231-G-T. GRCh37 (hg19) VCF-style: chr3-71247382-G-T.
Other names: c.151C>A, p.Leu51Ile (NM_001012505.2, NM_001244808.3, NM_001244810.2 and 7 more transcripts); short protein forms L51I.
Identifiers: ClinVar variation 2710201 (VCV002710201.3), dbSNP rs781486254, ClinGen allele CA353565027.
Genomic context (GRCh38, chr3:71,198,231, plus strand): 5'-CTCCACCTCCCAAGACTCCAAAGCCCAGTACCTGTTGCTGCTGCTGCTGGGCGTGGGCGA[G>T]GTCAGCTGCCCCGATGTCCACGGCCGGCGTCTCTCCGTTGGACCGCCCCTCCCGAAGACC-3'
Protein context (NP_001336267.1, residues 41-61): TPAVDIGAAD[Leu51Ile]AHAQQQQQQA